The following is an entry in ClinVar:

NM_000372.5(TYR):c.855T>A (p.His285Gln)

Gene: TYR (tyrosinase; plus strand). Cytogenetic location: 11q14.3.
Variant type: single nucleotide variant.
Coding change: c.855T>A on transcript NM_000372.5 (MANE Select); coding-DNA position 855, T replaced by A.
Protein change: p.His285Gln; replaces histidine 285 with glutamine.
Molecular consequence: missense variant.
Genome position (GRCh38, 1-based): chr11:89,191,237, T>A. VCF-style: chr11-89191237-T-A. GRCh37 (hg19) VCF-style: chr11-88924405-T-A.
Other names: short protein forms H285Q.
Identifiers: ClinVar variation 1052467 (VCV001052467.6), dbSNP rs2135253132, ClinGen allele CA382035749.

ClinVar aggregate classification (germline): Uncertain significance (1 of 4 stars; one submission).

Submission:

Labcorp Genetics (formerly Invitae), Labcorp
Classification: Uncertain significance. Last evaluated: 2022-03-03. Review status: criteria provided, single submitter. Criteria: Invitae Variant Classification Sherloc (09022015). Collection method: clinical testing. Allele origin: germline.
Comment: This sequence change replaces histidine, which is basic and polar, with glutamine, which is neutral and polar, at codon 285 of the TYR protein (p.His285Gln). This variant is not present in population databases (gnomAD no frequency). This variant has not been reported in the literature in individuals affected with TYR-related conditions. ClinVar contains an entry for this variant (Variation ID: 1052467). Advanced modeling of protein sequence and biophysical properties (such as structural, functional, and spatial information, amino acid conservation, physicochemical variation, residue mobility, and thermodynamic stability) performed at Invitae indicates that this missense variant is not expected to disrupt TYR protein function. In summary, the available evidence is currently insufficient to determine the role of this variant in disease. Therefore, it has been classified as a Variant of Uncertain Significance.